The following is an entry in ClinVar:

NM_005045.4(RELN):c.8363A>G (p.Tyr2788Cys)

Genes: RELN (reelin; minus strand), SLC26A5-AS1 (SLC26A5 antisense RNA 1; plus strand). Cytogenetic location: 7q22.1.
Variant type: single nucleotide variant.
Coding change: c.8363A>G on transcript NM_005045.4 (MANE Select); coding-DNA position 8363, A replaced by G.
Protein change: p.Tyr2788Cys; replaces tyrosine 2788 with cysteine.
Molecular consequence: missense variant.
Genome position (GRCh38, 1-based): chr7:103,503,142, T>C on the plus strand (A>G on the coding strand, the complement: RELN is on the minus strand). VCF-style: chr7-103503142-T-C. GRCh37 (hg19) VCF-style: chr7-103143589-T-C.
Other names: c.8363A>G, p.Tyr2788Cys (NM_173054.3); short protein forms Y2788C.
Identifiers: ClinVar variation 1001233 (VCV001001233.8), dbSNP rs1259871212, ClinGen allele CA368757406.

ClinVar aggregate classification (germline): Uncertain significance (1 of 4 stars; one submission).

Conditions:
Norman-Roberts syndrome (LIS2). Also called: Lissencephaly 2 (Norman-Roberts type). Identifiers: Orphanet 89844, MedGen C0796089, MONDO:0009760, OMIM 257320.
Familial temporal lobe epilepsy 7. Identifiers: Orphanet 101046, MedGen C4225327, MONDO:0014639, OMIM 616436.

Allele frequency attached by ClinVar (database versions not stated): gnomAD exomes below 0.00001 and 0.00001; gnomAD 0.00001; TOPMed 0.00001.
gnomAD v4.1: 5 of 1,614,118 alleles (0.00031%); highest among the groups gnomAD compares: Non-Finnish European, 0.00042%; no homozygotes.

Submission:

Labcorp Genetics (formerly Invitae), Labcorp
Classification: Uncertain significance for Familial temporal lobe epilepsy 7; Norman-Roberts syndrome. Last evaluated: 2023-09-29. Review status: criteria provided, single submitter. Criteria: Invitae Variant Classification Sherloc (09022015). Collection method: clinical testing. Allele origin: germline.
Comment: This sequence change replaces tyrosine, which is neutral and polar, with cysteine, which is neutral and slightly polar, at codon 2788 of the RELN protein (p.Tyr2788Cys). This variant is present in population databases (no rsID available, gnomAD 0.003%). This variant has not been reported in the literature in individuals affected with RELN-related conditions. ClinVar contains an entry for this variant (Variation ID: 1001233). Advanced modeling of protein sequence and biophysical properties (such as structural, functional, and spatial information, amino acid conservation, physicochemical variation, residue mobility, and thermodynamic stability) performed at Invitae indicates that this missense variant is not expected to disrupt RELN protein function. In summary, the available evidence is currently insufficient to determine the role of this variant in disease. Therefore, it has been classified as a Variant of Uncertain Significance.